The following is an entry in ClinVar:

NM_007327.4(GRIN1):c.793+12G>A

Gene: GRIN1 (glutamate ionotropic receptor NMDA type subunit 1; plus strand). Cytogenetic location: 9q34.3.
Variant type: single nucleotide variant.
Coding change: c.793+12G>A on transcript NM_007327.4 (MANE Select); 12 bases into the intron after coding-DNA position 793, G replaced by A.
Molecular consequence: intron variant.
Genome position (GRCh38, 1-based): chr9:137,156,802, G>A. VCF-style: chr9-137156802-G-A. GRCh37 (hg19) VCF-style: chr9-140051254-G-A.
Other names: c.856+12G>A (NM_001185090.2, NM_001185091.2); c.793+12G>A (NM_021569.4, NM_000832.7).
Identifiers: ClinVar variation 515039 (VCV000515039.9), dbSNP rs200668900, ClinGen allele CA5360758.
Genomic context (GRCh38, chr9:137,156,802, plus strand): 5'-GTCGGCGAGCGCGAGATCTCGGGGAACGCCCTGCGCTACGCCCCAGACGGTGAGTGCTGG[G>A]CCTTGGCGGGGTCCCCGAACGGGGAGGACCCCACGGGCTCTGAGTCGCATGCTCGCCTAG-3'

ClinVar aggregate classification (germline): Likely benign. Review status: criteria provided, multiple submitters, no conflicts (2 of 4 stars). 2 submissions from 2 submitters: Likely benign (2). Last evaluated 2025-05-04.

Conditions:
Neurodevelopmental disorder with or without hyperkinetic movements and seizures, autosomal dominant. Also called: Intellectual disability, autosomal dominant 8. Identifiers: MedGen C3280282, MONDO:0013655, OMIM 614254.

Allele frequency attached by ClinVar (database versions not stated): ExAC 0.00001; gnomAD exomes 0.00002 and 0.00003; TOPMed 0.00002; 1000 Genomes Project 30x 0.00016.
gnomAD v4.1: 9 of 1,598,354 alleles (0.00056%); highest among the groups gnomAD compares: Admixed American, 0.014%; no homozygotes.

Submissions (2):

Labcorp Genetics (formerly Invitae), Labcorp
Classification: Likely benign for Neurodevelopmental disorder with or without hyperkinetic movements and seizures, autosomal dominant. Last evaluated: 2025-05-04. Review status: criteria provided, single submitter. Criteria: Invitae Variant Classification Sherloc (09022015). Collection method: clinical testing. Allele origin: germline.

GeneDx
Classification: Likely benign. Last evaluated: 2018-01-22. Review status: criteria provided, single submitter. Criteria: GeneDx Variant Classification (06012015). Collection method: clinical testing. Allele origin: germline. Affected: yes.
Comment: This variant is considered likely benign or benign based on one or more of the following criteria: it is a conservative change, it occurs at a poorly conserved position in the protein, it is predicted to be benign by multiple in silico algorithms, and/or has population frequency not consistent with disease.